The following is an entry in ClinVar:

NM_001329943.3(KIAA0586):c.2634+1G>T

Gene: KIAA0586 (KIAA0586; plus strand). Cytogenetic location: 14q23.1.
Variant type: single nucleotide variant.
Coding change: c.2634+1G>T on transcript NM_001329943.3 (MANE Select); the canonical splice donor site of the intron after coding-DNA position 2634, G replaced by T.
Molecular consequence: splice donor variant.
Genome position (GRCh38, 1-based): chr14:58,472,280, G>T. VCF-style: chr14-58472280-G-T. GRCh37 (hg19) VCF-style: chr14-58938998-G-T.
Other names: c.2793+1G>T (NM_001244189.2); c.2589+1G>T (NM_001244190.2); c.2502+1G>T (NM_001244192.2); c.2379+1G>T (NM_001244191.2, NM_001364701.2, NM_001329945.2 and 1 more transcripts); c.2634+1G>T (NM_001329944.2, NM_001329946.2, NM_001329947.2); c.2406+1G>T (NM_014749.5); c.2214+1G>T (NM_001244193.2).
Identifiers: ClinVar variation 2922276 (VCV002922276.3), dbSNP rs2543375994, ClinGen allele CA389877314.

ClinVar aggregate classification (germline): Likely pathogenic (1 of 4 stars; one submission).

Conditions:
Short-rib thoracic dysplasia 14 with polydactyly (SRTD14). Identifiers: Orphanet 397715, MedGen C4225286, MONDO:0014688, OMIM 616546.
Joubert syndrome 23 (JBTS23). Identifiers: Orphanet 475, MedGen C4084822, MONDO:0014664, OMIM 616490.

Submission:

Labcorp Genetics (formerly Invitae), Labcorp
Classification: Likely pathogenic for Joubert syndrome 23; Short-rib thoracic dysplasia 14 with polydactyly. Last evaluated: 2024-02-17. Review status: criteria provided, single submitter. Criteria: Invitae Variant Classification Sherloc (09022015). Collection method: clinical testing. Allele origin: germline.
Comment: This sequence change affects a donor splice site in intron 20 of the KIAA0586 gene. It is expected to disrupt RNA splicing. Variants that disrupt the donor or acceptor splice site typically lead to a loss of protein function (PMID: 16199547), and loss-of-function variants in KIAA0586 are known to be pathogenic (PMID: 26096313, 26166481, 26386044). This variant is not present in population databases (gnomAD no frequency). This variant has not been reported in the literature in individuals affected with KIAA0586-related conditions. Algorithms developed to predict the effect of sequence changes on RNA splicing suggest that this variant may disrupt the consensus splice site. In summary, the currently available evidence indicates that the variant is pathogenic, but additional data are needed to prove that conclusively. Therefore, this variant has been classified as Likely Pathogenic.

Literature cited by the submitters: PubMed 16199547; PubMed 26096313; PubMed 26166481; PubMed 26386044.